The following is an entry in ClinVar:

NM_001165963.4(SCN1A):c.5456C>G (p.Ala1819Gly)

Genes: SCN1A (sodium voltage-gated channel alpha subunit 1; minus strand), LOC102724058 (uncharacterized LOC102724058; plus strand). Cytogenetic location: 2q24.3.
Variant type: single nucleotide variant.
Coding change: c.5456C>G on transcript NM_001165963.4 (MANE Select); coding-DNA position 5456, C replaced by G.
Protein change: p.Ala1819Gly; replaces alanine 1819 with glycine.
Molecular consequence: missense variant. On other transcripts: non-coding transcript variant (1).
Genome position (GRCh38, 1-based): chr2:165,991,819, G>C on the plus strand (C>G on the coding strand, the complement: SCN1A is on the minus strand). VCF-style: chr2-165991819-G-C. GRCh37 (hg19) VCF-style: chr2-166848329-G-C.
Other names: c.5372C>G, p.Ala1791Gly (NM_001165964.3, NM_001353957.2, NM_001353958.2); c.5456C>G, p.Ala1819Gly (NM_001202435.3, NM_001353948.2); c.5423C>G, p.Ala1808Gly (NM_001353949.2, NM_001353950.2, NM_001353951.2 and 2 more transcripts); c.5420C>G, p.Ala1807Gly (NM_001353954.2, NM_001353955.2); c.5369C>G, p.Ala1790Gly (NM_001353960.2); c.3014C>G, p.Ala1005Gly (NM_001353961.2); short protein forms A1807G, A1005G, A1790G, A1791G, A1808G, A1819G.
Identifiers: ClinVar variation 2703063 (VCV002703063.3), dbSNP rs2468331487, ClinGen allele CA349067471.
Genomic context (GRCh38, chr2:165,991,819, plus strand): 5'-AGAGGCGGTTCAAGCGCAGCTGCAAACTGAGATAATTTTTCAAATTCCATGAACTGAGTT[G>C]CATCGGGATCAAACTTCTCCCAAACCTCATAGAACATCTCAAAGTCATCCTCACTCAGAG-3'
Protein context (NP_001159435.1, residues 1809-1829): YEVWEKFDPD[Ala1819Gly]TQFMEFEKLS

ClinVar aggregate classification (germline): Uncertain significance (1 of 4 stars; one submission).

Conditions:
Early-infantile DEE. Also called: Ohtahara syndrome; Early infantile epileptic encephalopathy with suppression bursts; Early infantile epileptic encephalopathy. Identifiers: Orphanet 1934, MedGen C0393706, MONDO:0800491.

Submission:

Labcorp Genetics (formerly Invitae), Labcorp
Classification: Uncertain significance for Early-infantile DEE. Last evaluated: 2024-03-13. Review status: criteria provided, single submitter. Criteria: Invitae Variant Classification Sherloc (09022015). Collection method: clinical testing. Allele origin: germline.
Comment: This sequence change replaces alanine, which is neutral and non-polar, with glycine, which is neutral and non-polar, at codon 1819 of the SCN1A protein (p.Ala1819Gly). This variant is not present in population databases (gnomAD no frequency). This variant has not been reported in the literature in individuals affected with SCN1A-related conditions. Advanced modeling of protein sequence and biophysical properties (such as structural, functional, and spatial information, amino acid conservation, physicochemical variation, residue mobility, and thermodynamic stability) performed at Invitae indicates that this missense variant is expected to disrupt SCN1A protein function with a positive predictive value of 95%. In summary, the available evidence is currently insufficient to determine the role of this variant in disease. Therefore, it has been classified as a Variant of Uncertain Significance.